The following is an entry in ClinVar:

ClinVar aggregate classification (germline): Uncertain significance (1 of 4 stars; one submission).

gnomAD v4.1: 4 of 1,609,086 alleles (0.00025%); highest among the groups gnomAD compares: East Asian, 0.0022%; no homozygotes.

Submission:

Labcorp Genetics (formerly Invitae), Labcorp
Classification: Uncertain significance. Last evaluated: 2024-03-27. Review status: criteria provided, single submitter. Criteria: Invitae Variant Classification Sherloc (09022015). Collection method: clinical testing. Allele origin: germline.
Comment: This sequence change replaces serine, which is neutral and polar, with leucine, which is neutral and non-polar, at codon 7 of the POGLUT1 protein (p.Ser7Leu). This variant is present in population databases (no rsID available, gnomAD 0.001%). This variant has not been reported in the literature in individuals affected with POGLUT1-related conditions. Algorithms developed to predict the effect of missense changes on protein structure and function output the following: SIFT: "Not Available"; PolyPhen-2: "Benign"; Align-GVGD: "Not Available". The leucine amino acid residue is found in multiple mammalian species, which suggests that this missense change does not adversely affect protein function. In summary, the available evidence is currently insufficient to determine the role of this variant in disease. Therefore, it has been classified as a Variant of Uncertain Significance.

NM_152305.3(POGLUT1):c.20C>T (p.Ser7Leu)

Gene: POGLUT1 (protein O-glucosyltransferase 1; plus strand). Cytogenetic location: 3q13.33.
Variant type: single nucleotide variant.
Coding change: c.20C>T on transcript NM_152305.3 (MANE Select); coding-DNA position 20, C replaced by T.
Protein change: p.Ser7Leu; replaces serine 7 with leucine.
Molecular consequence: missense variant. On other transcripts: non-coding transcript variant (1).
Genome position (GRCh38, 1-based): chr3:119,469,041, C>T. VCF-style: chr3-119469041-C-T. GRCh37 (hg19) VCF-style: chr3-119187888-C-T.
Other names: short protein forms S7L.
Identifiers: ClinVar variation 3626746 (VCV003626746.2).
Genomic context (GRCh38, chr3:119,469,041, plus strand): 5'-GCCAGCGCCGCAGCGGGGAATCTGCAGTAGGTCTGCCGGCGATGGAGTGGTGGGCTAGCT[C>T]GCCGCTTCGGCTCTGGCTGCTGTTGTTCCTCCTGCCCTCAGCGCAGGGCCGCCAGAAGGA-3'
Protein context (NP_689518.1, residues 1-17): MEWWAS[Ser7Leu]PLRLWLLLFL